The following is an entry in ClinVar:

NM_004006.3(DMD):c.4903G>T (p.Gly1635Ter)

Gene: DMD (dystrophin; minus strand). Cytogenetic location: Xp21.1.
Variant type: single nucleotide variant.
Coding change: c.4903G>T on transcript NM_004006.3 (MANE Select); coding-DNA position 4903, G replaced by T.
Protein change: p.Gly1635Ter; replaces glycine 1635 with a stop codon.
Molecular consequence: nonsense.
Genome position (GRCh38, 1-based): chrX:32,365,142, C>A on the plus strand (G>T on the coding strand, the complement: DMD is on the minus strand). VCF-style: chrX-32365142-C-A. GRCh37 (hg19) VCF-style: chrX-32383259-C-A.
Other names: c.4879G>T, p.Gly1627Ter (NM_000109.4); c.4891G>T, p.Gly1631Ter (NM_004009.3); c.4534G>T, p.Gly1512Ter (NM_004010.3); c.880G>T, p.Gly294Ter (NM_004011.4); c.871G>T, p.Gly291Ter (NM_004012.4); short protein forms G1512*, G291*, G294*, G1627*, G1631*, G1635*.
Identifiers: ClinVar variation 958650 (VCV000958650.9), dbSNP rs2097850128, ClinGen allele CA412672281.

ClinVar aggregate classification (germline): Pathogenic/Likely pathogenic. Review status: criteria provided, multiple submitters, no conflicts (2 of 4 stars). 2 submissions from 2 submitters: Pathogenic (1); Likely pathogenic (1). Last evaluated 2024-11-14.

Conditions:
Duchenne muscular dystrophy (DMD). Also called: MUSCULAR DYSTROPHY, PSEUDOHYPERTROPHIC PROGRESSIVE, DUCHENNE TYPE; Duchenne Muscular Dystrophy (DMD). Identifiers: Orphanet 98896, MedGen C0013264, MONDO:0010679, OMIM 310200.

Submissions (2):

Revvity Omics, Revvity
Classification: Likely pathogenic. Last evaluated: 2024-11-14. Review status: criteria provided, single submitter. Criteria: ACMG Guidelines, 2015. Collection method: clinical testing. Allele origin: germline.

Labcorp Genetics (formerly Invitae), Labcorp
Classification: Pathogenic for Duchenne muscular dystrophy. Last evaluated: 2022-10-18. Review status: criteria provided, single submitter. Criteria: Invitae Variant Classification Sherloc (09022015). Collection method: clinical testing. Allele origin: germline.
Comment: For these reasons, this variant has been classified as Pathogenic. ClinVar contains an entry for this variant (Variation ID: 958650). This variant has not been reported in the literature in individuals affected with DMD-related conditions. This variant is not present in population databases (gnomAD no frequency). This sequence change creates a premature translational stop signal (p.Gly1635*) in the DMD gene. It is expected to result in an absent or disrupted protein product. Loss-of-function variants in DMD are known to be pathogenic (PMID: 16770791, 25007885).

Literature cited by the submitters: PubMed 16770791 (cited by Labcorp Genetics (formerly Invitae), Labcorp); PubMed 25007885 (cited by Labcorp Genetics (formerly Invitae), Labcorp).